The following is an entry in ClinVar:

ClinVar aggregate classification (germline): Uncertain significance (1 of 4 stars; one submission).

Submission:

Labcorp Genetics (formerly Invitae), Labcorp
Classification: Uncertain significance. Last evaluated: 2023-09-01. Review status: criteria provided, single submitter. Criteria: Invitae Variant Classification Sherloc (09022015). Collection method: clinical testing. Allele origin: germline.
Comment: In summary, the available evidence is currently insufficient to determine the role of this variant in disease. Therefore, it has been classified as a Variant of Uncertain Significance. Advanced modeling of protein sequence and biophysical properties (such as structural, functional, and spatial information, amino acid conservation, physicochemical variation, residue mobility, and thermodynamic stability) has been performed at Invitae for this missense variant, however the output from this modeling did not meet the statistical confidence thresholds required to predict the impact of this variant on COL11A1 protein function. This variant has not been reported in the literature in individuals affected with COL11A1-related conditions. This variant is not present in population databases (gnomAD no frequency). This sequence change replaces glycine, which is neutral and non-polar, with arginine, which is basic and polar, at codon 1450 of the COL11A1 protein (p.Gly1450Arg).

NM_001854.4(COL11A1):c.4348G>C (p.Gly1450Arg)

Gene: COL11A1 (collagen type XI alpha 1 chain; minus strand). Cytogenetic location: 1p21.1.
Variant type: single nucleotide variant.
Coding change: c.4348G>C on transcript NM_001854.4 (MANE Select); coding-DNA position 4348, G replaced by C.
Protein change: p.Gly1450Arg; replaces glycine 1450 with arginine.
Molecular consequence: missense variant. On other transcripts: non-coding transcript variant (1).
Genome position (GRCh38, 1-based): chr1:102,890,459, C>G on the plus strand (G>C on the coding strand, the complement: COL11A1 is on the minus strand). VCF-style: chr1-102890459-C-G. GRCh37 (hg19) VCF-style: chr1-103356015-C-G.
Other names: c.4000G>C, p.Gly1334Arg (NM_001168249.1, NM_080630.4); c.4231G>C, p.Gly1411Arg (NM_001190709.2); c.4384G>C, p.Gly1462Arg (NM_080629.3); short protein forms G1334R, G1462R, G1450R, G1411R.
Identifiers: ClinVar variation 2744072 (VCV002744072.3), dbSNP rs2524263187, ClinGen allele CA341212832.
Genomic context (GRCh38, chr1:102,890,459, plus strand): 5'-TTAGTATATAAAAGCATATTCTTTTATTAATAACACATTCTTTTATTCTCACCTTTTCAC[C>G]CTTGGAGCCAGGGTCACCTTTGAGACCAGGTAAGCCAGGAGGTCCCTAAATAATAACAAA-3'
Protein context (NP_001845.3, residues 1440-1460): PGLKGDPGSK[Gly1450Arg]EKGHPGLIGL